The following is an entry in ClinVar:

ClinVar aggregate classification (germline): Conflicting classifications of pathogenicity. Review status: criteria provided, conflicting classifications (1 of 4 stars). 2 submissions from 2 submitters: Likely pathogenic (1); Uncertain significance (1). Last evaluated 2023-11-29.

Conditions:
Charcot-Marie-Tooth disease, type I (CMT1). Also called: Charcot-Marie-Tooth, Type 1; Charcot-Marie-Tooth disease type 1. Identifiers: Orphanet 65753, MedGen C0751036, MONDO:0019011.

Submissions (2):

GeneDx
Classification: Likely pathogenic. Last evaluated: 2023-11-29. Review status: criteria provided, single submitter. Criteria: GeneDx Variant Classification Process June 2021. Collection method: clinical testing. Allele origin: germline. Affected: yes.
Comment: Observed in an patient with childhood onset MPZ-related disorder including optic nerve atrophy in the published literature (PMID: 34060176); Not observed at significant frequency in large population cohorts (gnomAD); Missense variants in this gene are a common cause of disease and they are underrepresented in the general population; In silico analysis supports that this missense variant does not alter protein structure/function; This variant is associated with the following publications: (PMID: 26310628, 20461396, 34060176)

Labcorp Genetics (formerly Invitae), Labcorp
Classification: Uncertain significance for Charcot-Marie-Tooth disease, type I. Last evaluated: 2022-09-10. Review status: criteria provided, single submitter. Criteria: Invitae Variant Classification Sherloc (09022015). Collection method: clinical testing. Allele origin: germline.
Comment: In summary, the available evidence is currently insufficient to determine the role of this variant in disease. Therefore, it has been classified as a Variant of Uncertain Significance. Advanced modeling of protein sequence and biophysical properties (such as structural, functional, and spatial information, amino acid conservation, physicochemical variation, residue mobility, and thermodynamic stability) performed at Invitae indicates that this missense variant is not expected to disrupt MPZ protein function. ClinVar contains an entry for this variant (Variation ID: 665891). This variant has not been reported in the literature in individuals affected with MPZ-related conditions. This variant is not present in population databases (gnomAD no frequency). This sequence change replaces lysine, which is basic and polar, with glutamic acid, which is acidic and polar, at codon 138 of the MPZ protein (p.Lys138Glu).

NM_000530.8(MPZ):c.412A>G (p.Lys138Glu)

Gene: MPZ (myelin protein zero; minus strand). Cytogenetic location: 1q23.3.
Variant type: single nucleotide variant.
Coding change: c.412A>G on transcript NM_000530.8 (MANE Select); coding-DNA position 412, A replaced by G.
Protein change: p.Lys138Glu; replaces lysine 138 with glutamic acid.
Molecular consequence: missense variant.
Genome position (GRCh38, 1-based): chr1:161,306,744, T>C on the plus strand (A>G on the coding strand, the complement: MPZ is on the minus strand). VCF-style: chr1-161306744-T-C. GRCh37 (hg19) VCF-style: chr1-161276534-T-C.
Other names: c.412A>G (LRG_256t1); c.412A>G, p.Lys138Glu (NM_001315491.2); short protein forms K138E.
Identifiers: ClinVar variation 665891 (VCV000665891.9), dbSNP rs1571818721, ClinGen allele CA343348563.
Genomic context (GRCh38, chr1:161,306,744, plus strand): 5'-CCTTGTCCCCATCCCTTCTCACACCTTTTTCAAAGACATACAGCGTGACCTGAGAGGTCT[T>C]GCCCACTATGTCTGGAGGGTTTTTGACGTCACAAGTGAACGTGCCATTGTCACTGTAGTC-3'
Protein context (NP_000521.2, residues 128-148): DVKNPPDIVG[Lys138Glu]TSQVTLYVFE